The following is an entry in ClinVar:

ClinVar aggregate classification (germline): Likely benign. Review status: criteria provided, single submitter (1 of 4 stars). 2 submissions from 2 submitters: Likely benign (1). 1 of the submissions does not count toward it. Last evaluated 2025-05-30.

Conditions:
TCF3-related disorder. Also called: TCF3-related condition.

Allele frequency attached by ClinVar (database versions not stated): TOPMed below 0.00001; gnomAD 0.00001; ExAC 0.00002; gnomAD exomes 0.00002.
gnomAD v4.1: 36 of 1,612,850 alleles (0.0022%); highest among the groups gnomAD compares: Non-Finnish European, 0.0028%; no homozygotes.

Submissions (2):

Labcorp Genetics (formerly Invitae), Labcorp
Classification: Likely benign. Last evaluated: 2025-05-30. Review status: criteria provided, single submitter. Criteria: Invitae Variant Classification Sherloc (09022015). Collection method: clinical testing. Allele origin: germline.

PreventionGenetics, part of Exact Sciences
Classification: Likely benign for TCF3-related condition. Last evaluated: 2019-05-23. Review status: no assertion criteria provided. Collection method: clinical testing. Allele origin: germline. Not counted in ClinVar's aggregate classification.
Comment: This variant is classified as likely benign based on ACMG/AMP sequence variant interpretation guidelines (Richards et al. 2015 PMID: 25741868, with internal and published modifications).

NM_003200.5(TCF3):c.1650C>T (p.Arg550=)

Gene: TCF3 (transcription factor 3; minus strand). Cytogenetic location: 19p13.3.
Variant type: single nucleotide variant.
Coding change: c.1650C>T on transcript NM_003200.5 (MANE Select); coding-DNA position 1650, C replaced by T.
Protein change: p.Arg550=; no amino-acid change (arginine 550 retained).
Molecular consequence: synonymous variant. On other transcripts: intron variant (2).
Genome position (GRCh38, 1-based): chr19:1,615,457, G>A on the plus strand (C>T on the coding strand, the complement: TCF3 is on the minus strand). VCF-style: chr19-1615457-G-A. GRCh37 (hg19) VCF-style: chr19-1615456-G-A.
Other names: c.1647C>T, p.Arg549= (NM_001351778.2); c.1586+229C>T (NM_001136139.4, NM_001351779.2).
Identifiers: ClinVar variation 740713 (VCV000740713.6), dbSNP rs1052747, ClinGen allele CA9049662.
Genomic context (GRCh38, chr19:1,615,457, plus strand): 5'-CTTAAAGGCCTCGTTGATGTCACGGACCCGCAGCCGCTCCCGGGCGTTATTGGCCACCCG[G>A]CGCTCCTTCTCCCGCTCGGCCTTCTGCTCTGGGGGGAGAAGGTCGTCCTCGTCCTCGTCT-3'
Protein context (NP_003191.1, residues 540-560): PEQKAEREKE[Arg550=]RVANNARERL